The following is an entry in ClinVar:

NM_007255.3(B4GALT7):c.472T>C (p.Tyr158His)

Gene: B4GALT7 (beta-1,4-galactosyltransferase 7; plus strand). Cytogenetic location: 5q35.3.
Variant type: single nucleotide variant.
Coding change: c.472T>C on transcript NM_007255.3 (MANE Select); coding-DNA position 472, T replaced by C.
Protein change: p.Tyr158His; replaces tyrosine 158 with histidine.
Molecular consequence: missense variant.
Genome position (GRCh38, 1-based): chr5:177,607,360, T>C. VCF-style: chr5-177607360-T-C. GRCh37 (hg19) VCF-style: chr5-177034361-T-C.
Other names: short protein forms Y158H.
Identifiers: ClinVar variation 5009218 (VCV005009218.1).

ClinVar aggregate classification (germline): Uncertain significance (1 of 4 stars; one submission).

Submission:

GeneDx
Classification: Uncertain significance. Last evaluated: 2026-03-16. Review status: criteria provided, single submitter. Criteria: GeneDx Variant Classification Process June 2021. Collection method: clinical testing. Allele origin: germline.
Comment: Not observed at significant frequency in large population cohorts (gnomAD); In silico analysis supports that this missense variant has a deleterious effect on protein structure/function; Has not been previously published as pathogenic or benign to our knowledge